The following is an entry in ClinVar:

ClinVar aggregate classification (germline): Uncertain significance (1 of 4 stars; one submission).

Conditions:
Walker-Warburg congenital muscular dystrophy. Also called: Muscular dystrophy-dystroglycanopathy, type A; Walker-Warburg syndrome. Identifiers: Orphanet 899, MedGen C0265221, MONDO:0000171.

Submission:

Labcorp Genetics (formerly Invitae), Labcorp
Classification: Uncertain significance for Walker-Warburg congenital muscular dystrophy. Last evaluated: 2020-02-05. Review status: criteria provided, single submitter. Criteria: Invitae Variant Classification Sherloc (09022015). Collection method: clinical testing. Allele origin: germline.
Comment: In summary, the available evidence is currently insufficient to determine the role of this variant in disease. Therefore, it has been classified as a Variant of Uncertain Significance. Algorithms developed to predict the effect of missense changes on protein structure and function (SIFT, PolyPhen-2, Align-GVGD) all suggest that this variant is likely to be tolerated, but these predictions have not been confirmed by published functional studies and their clinical significance is uncertain. This variant has not been reported in the literature in individuals with FKTN-related conditions. This variant is not present in population databases (ExAC no frequency). This sequence change replaces serine with proline at codon 66 of the FKTN protein (p.Ser66Pro). The serine residue is moderately conserved and there is a moderate physicochemical difference between serine and proline.

NM_001079802.2(FKTN):c.196T>C (p.Ser66Pro)

Gene: FKTN (fukutin; plus strand). Cytogenetic location: 9q31.2.
Variant type: single nucleotide variant.
Coding change: c.196T>C on transcript NM_001079802.2 (MANE Select); coding-DNA position 196, T replaced by C.
Protein change: p.Ser66Pro; replaces serine 66 with proline.
Molecular consequence: missense variant. On other transcripts: 5 prime UTR variant (4), non-coding transcript variant (2).
Genome position (GRCh38, 1-based): chr9:105,601,175, T>C. VCF-style: chr9-105601175-T-C. GRCh37 (hg19) VCF-style: chr9-108363456-T-C.
Other names: c.196T>C, p.Ser66Pro (NM_001198963.2, NM_001351496.2, NM_001351498.2 and 1 more transcripts); c.127T>C, p.Ser43Pro (NM_001351497.2); c.-319T>C (NM_001351499.2, NM_001351500.2, NM_001351501.2 and 1 more transcripts); short protein forms S43P, S66P.
Identifiers: ClinVar variation 1021268 (VCV001021268.9), dbSNP rs1827810710, ClinGen allele CA374331456.
Genomic context (GRCh38, chr9:105,601,175, plus strand): 5'-AATTACGAGAATTCTTTTTCTCTCAAACAGCGTGCAGTTAAAAAATTTATTATGTTAACA[T>C]CCAACCAAAATGTACCAGTGTTTCTTATTGATCCTTTGATACTGGAATTGATTAATAAGA-3'
Protein context (NP_001073270.1, residues 56-76): RAVKKFIMLT[Ser66Pro]NQNVPVFLID